The following is an entry in ClinVar:

ClinVar aggregate classification (germline): Uncertain significance (1 of 4 stars; one submission).

Conditions:
Hypertrophic cardiomyopathy. Also called: HYPERTROPHIC MYOCARDIOPATHY. Identifiers: Orphanet 217569, MedGen C0007194, MeSH D002312, MONDO:0005045, HP:0001639.

Submission:

Labcorp Genetics (formerly Invitae), Labcorp
Classification: Uncertain significance for Hypertrophic cardiomyopathy. Last evaluated: 2018-01-28. Review status: criteria provided, single submitter. Criteria: Invitae Variant Classification Sherloc (09022015). Collection method: clinical testing. Allele origin: germline.
Comment: In summary, the available evidence is currently insufficient to determine the role of this variant in disease. Therefore, it has been classified as a Variant of Uncertain Significance. This variant is not present in population databases (ExAC no frequency). Algorithms developed to predict the effect of missense changes on protein structure and function do not agree on the potential impact of this missense change (SIFT: "Deleterious"; PolyPhen-2: "Probably Damaging"; Align-GVGD: "Class C0"). This variant has not been reported in the literature in individuals with MYOM1-related disease. This sequence change replaces glutamic acid with alanine at codon 475 of the MYOM1 protein (p.Glu475Ala). The glutamic acid residue is highly conserved and there is a moderate physicochemical difference between glutamic acid and alanine.

NM_003803.4(MYOM1):c.1424A>C (p.Glu475Ala)

Gene: MYOM1 (myomesin 1; minus strand). Cytogenetic location: 18p11.31.
Variant type: single nucleotide variant.
Coding change: c.1424A>C on transcript NM_003803.4 (MANE Select); coding-DNA position 1424, A replaced by C.
Protein change: p.Glu475Ala; replaces glutamic acid 475 with alanine.
Molecular consequence: missense variant.
Genome position (GRCh38, 1-based): chr18:3,164,355, T>G on the plus strand (A>C on the coding strand, the complement: MYOM1 is on the minus strand). VCF-style: chr18-3164355-T-G. GRCh37 (hg19) VCF-style: chr18-3164353-T-G.
Other names: c.1424A>C, p.Glu475Ala (NM_019856.2); short protein forms E475A.
Identifiers: ClinVar variation 571181 (VCV000571181.8), dbSNP rs1567944437, ClinGen allele CA401714907.